The following is an entry in ClinVar:

NM_001077653.2(TBX20):c.957AGA[2] (p.Glu321del)

Gene: TBX20 (T-box transcription factor 20; minus strand). Cytogenetic location: 7p14.2.
Variant type: Microsatellite.
Coding change: c.957AGA[2] on transcript NM_001077653.2 (MANE Select); two copies in a row of the 3-base unit AGA starting at c.957; the reference has three copies in a row; one copy, 3 bases deleted.
Protein change: p.Glu321del; deletes glutamic acid 321.
Molecular consequence: inframe deletion.
Genome position (GRCh38, 1-based): chr7:35,204,508-35,204,510, TCT deleted on the plus strand (AGA on the coding strand, the reverse complement: TBX20 is on the minus strand); deleting any 3 consecutive bases within chr7:35,204,508-35,204,516 gives the same sequence; the position shown is the placement nearest the transcript's 3' end. VCF-style (leftmost placement, unchanged base first): chr7-35204507-ATCT-A. GRCh37 (hg19) VCF-style: chr7-35244119-ATCT-A.
Other names: c.963_965delAGA (NM_001077653.2); short protein forms E321del.
Identifiers: ClinVar variation 1483140 (VCV001483140.9), dbSNP rs1377303911, ClinGen allele CA574030990.
Genomic context (GRCh38, chr7:35,204,507, plus strand): 5'-CATGGCCTTGGAAACTACCTTACCTCGATTTGGGGTTGTCTGACTCTCATCCCCCAAGAC[ATCT>A]TCTTCTCCTCCGTAGGTACGGATGGGTGAGCGTGCATAGGAATGCTTTTGAATCAGGCTC-3'

ClinVar aggregate classification (germline): Uncertain significance. Review status: criteria provided, multiple submitters, no conflicts (2 of 4 stars). 2 submissions from 2 submitters: Uncertain significance (2). Last evaluated 2026-07-10.

Conditions:
Cardiovascular phenotype. Identifiers: MedGen CN230736.

Submissions (2):

Ambry Genetics
Classification: Uncertain significance for Cardiovascular phenotype. Last evaluated: 2026-07-10. Review status: criteria provided, single submitter. Criteria: Ambry Variant Classification Scheme 2023. Collection method: clinical testing. Allele origin: germline.
Comment: The c.963_965delAGA variant (also known as p.E321del) is located in coding exon 7 of the TBX20 gene. This variant results from an in-frame AGA deletion at nucleotide positions 963 to 965. This results in the in-frame deletion of a glutamic acid at codon 321. This amino acid position is well conserved in available vertebrate species. In addition, this variant is predicted to be neutral by in silico analysis (Choi Y et al. PLoS ONE. 2012; 7(10):e46688). Based on the available evidence, the clinical significance of this variant remains unclear.

Labcorp Genetics (formerly Invitae), Labcorp
Classification: Uncertain significance. Last evaluated: 2025-10-08. Review status: criteria provided, single submitter. Criteria: Invitae Variant Classification Sherloc (09022015). Collection method: clinical testing. Allele origin: germline.
Comment: This variant, c.963_965del, results in the deletion of 1 amino acid(s) of the TBX20 protein (p.Glu321del), but otherwise preserves the integrity of the reading frame. This variant is present in population databases (no rsID available, gnomAD 0.004%). This variant has not been reported in the literature in individuals affected with TBX20-related conditions. Experimental studies and prediction algorithms are not available or were not evaluated, and the functional significance of this variant is currently unknown. In summary, the available evidence is currently insufficient to determine the role of this variant in disease. Therefore, it has been classified as a Variant of Uncertain Significance.